The following is an entry in ClinVar:

ClinVar aggregate classification (germline): Uncertain significance (1 of 4 stars; one submission).

Conditions:
Hereditary cancer-predisposing syndrome. Also called: Tumor predisposition; Neoplastic Syndromes, Hereditary; Hereditary Cancer Syndrome; Hereditary neoplastic syndrome. Identifiers: Orphanet 140162, MedGen C0027672, MeSH D009386, MONDO:0015356.

gnomAD v4.1: 1 of 1,587,020 alleles (0.000063%); highest among the groups gnomAD compares: Non-Finnish European, 0.000086%; no homozygotes.

Submission:

Ambry Genetics
Classification: Uncertain significance for Hereditary cancer-predisposing syndrome. Last evaluated: 2025-01-05. Review status: criteria provided, single submitter. Criteria: Ambry Variant Classification Scheme 2023. Collection method: clinical testing. Allele origin: germline.
Comment: The p.S112R variant (also known as c.336C>G), located in coding exon 4 of the PMS2 gene, results from a C to G substitution at nucleotide position 336. The serine at codon 112 is replaced by arginine, an amino acid with dissimilar properties. This amino acid position is conserved. In addition, this alteration is predicted to be deleterious by in silico analysis. Based on the available evidence, the clinical significance of this variant remains unclear.

NM_000535.7(PMS2):c.336C>G (p.Ser112Arg)

Gene: PMS2 (PMS1 homolog 2, mismatch repair system component; minus strand). Cytogenetic location: 7p22.1.
Variant type: single nucleotide variant.
Coding change: c.336C>G on transcript NM_000535.7 (MANE Select); coding-DNA position 336, C replaced by G.
Protein change: p.Ser112Arg; replaces serine 112 with arginine.
Molecular consequence: missense variant. On other transcripts: intron variant (21), 5 prime UTR variant (25), non-coding transcript variant (1).
Genome position (GRCh38, 1-based): chr7:6,003,707, G>C on the plus strand (C>G on the coding strand, the complement: PMS2 is on the minus strand). VCF-style: chr7-6003707-G-C. GRCh37 (hg19) VCF-style: chr7-6043338-G-C.
Other names: c.-132+265C>G (NM_001406900.1, NM_001406881.1); c.-53+36C>G (NM_001406909.1, NM_001406907.1, NM_001406892.1 and 6 more transcripts); c.-132+36C>G (NM_001406880.1); c.-70C>G (NM_001322003.2, NM_001322004.2, NM_001322005.2 and 13 more transcripts); c.336C>G, p.Ser112Arg (NM_001322006.2, NM_001322014.2, NM_001406869.1 and 8 more transcripts); c.-549C>G (NM_001322011.2, NM_001322012.2); c.-149C>G (NM_001322015.2, NM_001406875.1, NM_001406877.1 and 3 more transcripts); c.522C>G, p.Ser174Arg (NM_001406866.1); and 5 more; short protein forms S112R, S120R, S174R.
Identifiers: ClinVar variation 3890977 (VCV003890977.1).